The following is an entry in ClinVar:

ClinVar aggregate classification (germline): Uncertain significance (1 of 4 stars; one submission).

gnomAD v4.1: 4 of 1,613,044 alleles (0.00025%); highest among the groups gnomAD compares: Non-Finnish European, 0.00034%; no homozygotes.

Submission:

GeneDx
Classification: Uncertain significance. Last evaluated: 2023-12-15. Review status: criteria provided, single submitter. Criteria: GeneDx Variant Classification Process June 2021. Collection method: clinical testing. Allele origin: germline. Affected: yes.
Comment: Not observed at significant frequency in large population cohorts (gnomAD); In silico analysis supports that this missense variant has a deleterious effect on protein structure/function; Has not been previously published as pathogenic or benign to our knowledge

NM_001256071.3(RNF213):c.8284A>G (p.Lys2762Glu)

Gene: RNF213 (ring finger protein 213; plus strand). Cytogenetic location: 17q25.3.
Variant type: single nucleotide variant.
Coding change: c.8284A>G on transcript NM_001256071.3 (MANE Select); coding-DNA position 8284, A replaced by G.
Protein change: p.Lys2762Glu; replaces lysine 2762 with glutamic acid.
Molecular consequence: missense variant.
Genome position (GRCh38, 1-based): chr17:80,346,619, A>G. VCF-style: chr17-80346619-A-G. GRCh37 (hg19) VCF-style: chr17-78320419-A-G.
Other names: c.8431A>G, p.Lys2811Glu (NM_001410195.1, NM_020914.5); short protein forms K2762E, K2811E.
Identifiers: ClinVar variation 3365875 (VCV003365875.1).